The following is an entry in ClinVar:

NM_001267550.2(TTN):c.104893G>A (p.Val34965Ile)

Genes: TTN (titin; minus strand), TTN-AS1 (TTN antisense RNA 1; plus strand). Cytogenetic location: 2q31.2.
Variant type: single nucleotide variant.
Coding change: c.104893G>A on transcript NM_001267550.2 (MANE Select); coding-DNA position 104893, G replaced by A.
Protein change: p.Val34965Ile; replaces valine 34965 with isoleucine.
Molecular consequence: missense variant.
Genome position (GRCh38, 1-based): chr2:178,531,722, C>T on the plus strand (G>A on the coding strand, the complement: TTN is on the minus strand). VCF-style: chr2-178531722-C-T. GRCh37 (hg19) VCF-style: chr2-179396449-C-T.
Other names: c.99970G>A, p.Val33324Ile (NM_001256850.1); c.77698G>A, p.Val25900Ile (NM_003319.4); c.97189G>A, p.Val32397Ile (NM_133378.4); c.78073G>A, p.Val26025Ile (NM_133432.3); c.78274G>A, p.Val26092Ile (NM_133437.4); short protein forms V25900I, V26092I, V26025I, V32397I, V33324I, V34965I.
Identifiers: ClinVar variation 2110230 (VCV002110230.3), dbSNP rs886042785, ClinGen allele CA349410588.

ClinVar aggregate classification (germline): Uncertain significance. Review status: criteria provided, multiple submitters, no conflicts (2 of 4 stars). 2 submissions from 2 submitters: Uncertain significance (2). Last evaluated 2024-10-21.

Conditions:
Dilated cardiomyopathy 1G (CMD1G). Identifiers: Orphanet 154, MedGen C1858763, MONDO:0011400, OMIM 604145.
Autosomal recessive limb-girdle muscular dystrophy type 2J (LGMDR10). Also called: Limb-girdle muscular dystrophy, type 2J; MUSCULAR DYSTROPHY, LIMB-GIRDLE, AUTOSOMAL RECESSIVE 10. Identifiers: Orphanet 140922, MedGen C1837342, MONDO:0012127, OMIM 608807.

gnomAD v4.1: 2 of 1,613,990 alleles (0.00012%); highest among the groups gnomAD compares: Non-Finnish European, 0.00017%; no homozygotes.

Submissions (2):

Blueprint Genetics
Classification: Uncertain significance. Last evaluated: 2024-10-21. Review status: criteria provided, single submitter. Criteria: ACMG Guidelines, 2015. Collection method: clinical testing. Allele origin: germline.

Labcorp Genetics (formerly Invitae), Labcorp
Classification: Uncertain significance for Dilated cardiomyopathy 1G; Autosomal recessive limb-girdle muscular dystrophy type 2J. Last evaluated: 2022-07-14. Review status: criteria provided, single submitter. Criteria: Invitae Variant Classification Sherloc (09022015). Collection method: clinical testing. Allele origin: germline.
Comment: This variant has not been reported in the literature in individuals affected with TTN-related conditions. In summary, the available evidence is currently insufficient to determine the role of this variant in disease. Therefore, it has been classified as a Variant of Uncertain Significance. Experimental studies and prediction algorithms are not available or were not evaluated, and the functional significance of this variant is currently unknown. This variant is not present in population databases (gnomAD no frequency). This sequence change replaces valine, which is neutral and non-polar, with isoleucine, which is neutral and non-polar, at codon 34965 of the TTN protein (p.Val34965Ile). This variant is located in the M band of TTN (PMID: 25589632). Variants in this region may be relevant for neuromuscular disorders, but have not been definitively shown to cause cardiomyopathy (PMID: 23975875).

Literature cited by the submitters: PubMed 25589632 (cited by Labcorp Genetics (formerly Invitae), Labcorp); PubMed 23975875 (cited by Labcorp Genetics (formerly Invitae), Labcorp).